The following is an entry in ClinVar:

NM_000179.3(MSH6):c.2910G>A (p.Trp970Ter)

Gene: MSH6 (mutS homolog 6; plus strand). Cytogenetic location: 2p16.3.
Variant type: single nucleotide variant.
Coding change: c.2910G>A on transcript NM_000179.3 (MANE Select); coding-DNA position 2910, G replaced by A.
Protein change: p.Trp970Ter; replaces tryptophan 970 with a stop codon.
Molecular consequence: nonsense.
Genome position (GRCh38, 1-based): chr2:47,800,893, G>A. VCF-style: chr2-47800893-G-A. GRCh37 (hg19) VCF-style: chr2-48028032-G-A.
Other names: c.2520G>A, p.Trp840Ter (NM_001281492.2); c.2004G>A, p.Trp668Ter (NM_001281493.2, NM_001281494.2); short protein forms W970*, W840*, W668*.
Identifiers: ClinVar variation 428412 (VCV000428412.16), dbSNP rs765411990, ClinGen allele CA346756153.
Genomic context (GRCh38, chr2:47,800,893, plus strand): 5'-CCTCCTGGAATACCTAGAGAAACAGCGCAACAGAATTGGCTGTAGGACCATAGTCTATTG[G>A]GGGATTGGTAGGAACCGTTACCAGCTGGAAATTCCTGAGAATTTCACCACTCGCAATTTG-3'

ClinVar aggregate classification (germline): Pathogenic/Likely pathogenic. Review status: criteria provided, multiple submitters, no conflicts (2 of 4 stars). 6 submissions from 6 submitters: Pathogenic (4); Likely pathogenic (1). 1 of the submissions does not count toward it. Last evaluated 2025-04-30.

Conditions:
Lynch syndrome. Identifiers: Orphanet 144, MedGen C4552100, MONDO:0005835. Disease mechanism: loss of function.
Lynch syndrome 5 (LYNCH5). Also called: Hereditary non-polyposis colorectal cancer, type 5; Colorectal cancer, hereditary nonpolyposis, type 5. Identifiers: Orphanet 144, MedGen C1833477, MONDO:0013710, OMIM 614350. Disease mechanism: loss of function.
Hereditary nonpolyposis colorectal neoplasms. Identifiers: MedGen C0009405, MeSH D003123.
Hereditary cancer-predisposing syndrome. Also called: Hereditary Cancer Syndrome; Neoplastic Syndromes, Hereditary; Hereditary neoplastic syndrome; Tumor predisposition. Identifiers: Orphanet 140162, MedGen C0027672, MeSH D009386, MONDO:0015356.

Submissions (6):

Clinical Genetics Laboratory, Skane University Hospital Lund
Classification: Likely pathogenic for Lynch syndrome. Last evaluated: 2025-04-30. Review status: criteria provided, single submitter. Criteria: ACMG Guidelines, 2015. Collection method: clinical testing. Allele origin: germline. Affected: yes.
Comment: ACMG Criteria used (based on ClinGen InSiGHT Hereditary Colorectal Cancer/Polyposis Expert Panel Specifications to the ACMG/AMP Variant Interpretation Guidelines for MSH6 Version 1.0): PVS1, PM2_Supporting

Labcorp Genetics (formerly Invitae), Labcorp
Classification: Pathogenic for Hereditary nonpolyposis colorectal neoplasms. Last evaluated: 2024-11-29. Review status: criteria provided, single submitter. Criteria: Invitae Variant Classification Sherloc (09022015). Collection method: clinical testing. Allele origin: germline.
Comment: This sequence change creates a premature translational stop signal (p.Trp970*) in the MSH6 gene. It is expected to result in an absent or disrupted protein product. Loss-of-function variants in MSH6 are known to be pathogenic (PMID: 18269114, 24362816). This variant is not present in population databases (gnomAD no frequency). This premature translational stop signal has been observed in individual(s) with ovarian cancer (PMID: 30322717). ClinVar contains an entry for this variant (Variation ID: 428412). For these reasons, this variant has been classified as Pathogenic.

Myriad Genetics, Inc.
Classification: Pathogenic for Lynch syndrome 5. Last evaluated: 2023-08-21. Review status: criteria provided, single submitter. Criteria: Myriad Autosomal Dominant, Autosomal Recessive and X-Linked Classification Criteria (2023). Collection method: clinical testing. Allele origin: unknown.
Comment: This variant is considered pathogenic. This variant creates a termination codon and is predicted to result in premature protein truncation.

Ambry Genetics
Classification: Pathogenic for Hereditary cancer-predisposing syndrome. Last evaluated: 2020-01-08. Review status: criteria provided, single submitter. Criteria: Ambry Variant Classification Scheme 2023. Collection method: clinical testing. Allele origin: germline.
Comment: The p.W970* pathogenic mutation (also known as c.2910G>A), located in coding exon 4 of the MSH6 gene, results from a G to A substitution at nucleotide position 2910. This changes the amino acid from a tryptophan to a stop codon within coding exon 4. This mutation was identified in a cohort of 4439 women with ovarian cancer who underwent multi gene panel testing for hereditary cancer (Carter NJ et al. Gynecol. Oncol. 2018 12;151:481-488). In addition to the clinical data presented in the literature, this alteration is expected to result in loss of function by premature protein truncation or nonsense-mediated mRNA decay. As such, this alteration is interpreted as a disease-causing mutation.

GeneDx
Classification: Pathogenic. Last evaluated: 2017-06-08. Review status: criteria provided, single submitter. Criteria: GeneDx Variant Classification (06012015). Collection method: clinical testing. Allele origin: germline. Affected: yes.
Comment: This variant is denoted MSH6 c.2910G>A at the cDNA level and p.Trp970Ter (W970X) at the protein level. The substitution creates a nonsense variant, which changes a Tryptophan to a premature stop codon (TGG>TGA), and is predicted to cause loss of normal protein function through either protein truncation or nonsense-mediated mRNA decay. This variant has not, to our knowledge, been published in the literature as a germline variant; however, it has been reported as a somatic variant in an epithelial ovarian tumor (Jean 2016). We consider this variant to be pathogenic.

Department of Pathology and Laboratory Medicine, Sinai Health System
Classification: Uncertain significance. Review status: no assertion criteria provided. Collection method: clinical testing. Allele origin: unknown. Affected: yes. Observed: 2 variant alleles. Study: The Canadian Open Genetics Repository (COGR). Not counted in ClinVar's aggregate classification.

Literature cited by the submitters: PubMed 18269114 (cited by Labcorp Genetics (formerly Invitae), Labcorp); PubMed 24362816 (cited by Labcorp Genetics (formerly Invitae), Labcorp); PubMed 30322717 (cited by Labcorp Genetics (formerly Invitae), Labcorp and Ambry Genetics).